The following is an entry in ClinVar:

ClinVar aggregate classification (germline): Benign. Review status: criteria provided, multiple submitters, no conflicts (2 of 4 stars). 2 submissions from 2 submitters: Benign (2). Last evaluated 2016-03-28.

Allele frequency attached by ClinVar (database versions not stated): 1000 Genomes Project 30x 0.01437; 1000 Genomes Project 0.01478; TOPMed 0.02002; ExAC 0.02408; gnomAD exomes 0.02472 and 0.02796; ESP Exome Variant Server 0.02494; gnomAD 0.03359.

Submissions (2):

Laboratory for Molecular Medicine, Mass General Brigham Personalized Medicine
Classification: Benign. Last evaluated: 2016-03-28. Review status: criteria provided, single submitter. Criteria: LMM Criteria. Collection method: clinical testing. Allele origin: germline.
Comment: Variant identified in a genome or exome case(s) and assessed due to predicted null impact of the variant or pathogenic assertions in the literature or databases. Disclaimer: This variant has not undergone full assessment. The following are preliminary notes: Frequency

Breakthrough Genomics
Classification: Benign. Review status: criteria provided, single submitter. Criteria: ACMG Guidelines, 2015. Collection method: not provided. Allele origin: germline. Inheritance: Autosomal dominant inheritance. Affected: yes.

NM_002458.3(MUC5B):c.9578T>C (p.Leu3193Pro)

Genes: MUC5B (mucin 5B, oligomeric mucus/gel-forming; plus strand), MUC5B-AS1 (MUC5B antisense RNA 1; minus strand). Cytogenetic location: 11p15.5.
Variant type: single nucleotide variant.
Coding change: c.9578T>C on transcript NM_002458.3 (MANE Select); coding-DNA position 9578, T replaced by C.
Protein change: p.Leu3193Pro; replaces leucine 3193 with proline.
Molecular consequence: missense variant.
Genome position (GRCh38, 1-based): chr11:1,246,458, T>C. VCF-style: chr11-1246458-T-C. GRCh37 (hg19) VCF-style: chr11-1267688-T-C.
Other names: short protein forms L3193P.
Identifiers: ClinVar variation 403153 (VCV000403153.5), dbSNP rs117913875, ClinGen allele CA5807061.